The following is an entry in ClinVar:

NM_178844.4(NLRC3):c.2716G>A (p.Ala906Thr)

Gene: NLRC3 (NLR family CARD domain containing 3; minus strand). Cytogenetic location: 16p13.3.
Variant type: single nucleotide variant.
Coding change: c.2716G>A on transcript NM_178844.4 (MANE Select); coding-DNA position 2716, G replaced by A.
Protein change: p.Ala906Thr; replaces alanine 906 with threonine.
Molecular consequence: missense variant. On other transcripts: non-coding transcript variant (1).
Genome position (GRCh38, 1-based): chr16:3,548,190, C>T on the plus strand (G>A on the coding strand, the complement: NLRC3 is on the minus strand). VCF-style: chr16-3548190-C-T. GRCh37 (hg19) VCF-style: chr16-3598190-C-T.
Other names: short protein forms A906T.
Identifiers: ClinVar variation 2646106 (VCV002646106.24), dbSNP rs200989243, ClinGen allele CA7864307.

ClinVar aggregate classification (germline): Likely benign (1 of 4 stars; one submission).

Allele frequency attached by ClinVar (database versions not stated): 1000 Genomes Project 30x 0.00078; 1000 Genomes Project 0.00080; TOPMed 0.00206; ESP Exome Variant Server 0.00228; gnomAD exomes 0.00273; gnomAD 0.00285; ExAC 0.00412.

Submission:

CeGaT Center for Human Genetics Tuebingen
Classification: Likely benign. Last evaluated: 2025-02-01. Review status: criteria provided, single submitter. Criteria: CeGaT Center For Human Genetics Tuebingen Variant Classification Criteria Version 2. Collection method: clinical testing. Allele origin: germline. Affected: yes. Observed: 2 variant alleles.
Comment: NLRC3: BP4